The following is an entry in ClinVar:

ClinVar aggregate classification (germline): Uncertain significance (1 of 4 stars; one submission).

Submission:

Ambry Genetics
Classification: Uncertain significance. Last evaluated: 2026-02-19. Review status: criteria provided, single submitter. Criteria: Ambry Variant Classification Scheme 2023. Collection method: clinical testing. Allele origin: germline.
Comment: The p.L185P variant (also known as c.554T>C), located in coding exon 6 of the RASA2 gene, results from a T to C substitution at nucleotide position 554. The leucine at codon 185 is replaced by proline, an amino acid with similar properties. This amino acid position is conserved. In addition, this alteration is predicted to be deleterious by in silico analysis. Based on the available evidence, the clinical significance of this variant remains unclear.

NM_006506.5(RASA2):c.554T>C (p.Leu185Pro)

Gene: RASA2 (RAS p21 protein activator 2; plus strand). Cytogenetic location: 3q23.
Variant type: single nucleotide variant.
Coding change: c.554T>C on transcript NM_006506.5 (MANE Select); coding-DNA position 554, T replaced by C.
Protein change: p.Leu185Pro; replaces leucine 185 with proline.
Molecular consequence: missense variant.
Genome position (GRCh38, 1-based): chr3:141,553,883, T>C. VCF-style: chr3-141553883-T-C. GRCh37 (hg19) VCF-style: chr3-141272725-T-C.
Other names: c.554T>C, p.Leu185Pro (NM_001303245.3, NM_001303246.3); short protein forms L185P.
Identifiers: ClinVar variation 4844140 (VCV004844140.1).